The following is an entry in ClinVar:

ClinVar aggregate classification (germline): Pathogenic (1 of 4 stars; one submission).

Conditions:
Syndromic X-linked intellectual disability Najm type (MICPCH). Also called: MICPCH SYNDROME; Intellectual developmental disorder and microcephaly with pontine and cerebellar hypoplasia; Mental retardation and microcephaly with pontine and cerebellar hypoplasia; MENTAL RETARDATION, X-LINKED, SYNDROMIC, NAJM TYPE; Intellectual Disability and Microcephaly with Pontine and Cerebellar Hypoplasia (MICPCH); Intellectual Disability and Microcephaly with Pontine and Cerebellar Hypoplasia. Identifiers: Orphanet 163937, MedGen C2677903, MONDO:0010417, OMIM 300749.

Submission:

Mendelics
Classification: Pathogenic for Syndromic X-linked intellectual disability Najm type. Last evaluated: 2023-04-11. Review status: criteria provided, single submitter. Criteria: Mendelics Assertion Criteria 2017. Collection method: clinical testing. Allele origin: unknown. Inheritance: X-linked dominant inheritance.
Comment: Serine residue in codon 805 is highly conserved across species. This variant is not identified at any significant frequency in population databases (gnomAD v2.1.1) and has never been published in medical literature, nor functional studies have been performed.

NM_001367721.1(CASK):c.2429G>A (p.Ser810Asn)

Gene: CASK (calcium/calmodulin dependent serine protein kinase; minus strand). Cytogenetic location: Xp11.4.
Variant type: single nucleotide variant.
Coding change: c.2429G>A on transcript NM_001367721.1 (MANE Select); coding-DNA position 2429, G replaced by A.
Protein change: p.Ser810Asn; replaces serine 810 with asparagine.
Molecular consequence: missense variant.
Genome position (GRCh38, 1-based): chrX:41,531,098, C>T on the plus strand (G>A on the coding strand, the complement: CASK is on the minus strand). VCF-style: chrX-41531098-C-T. GRCh37 (hg19) VCF-style: chrX-41390351-C-T.
Other names: c.2345G>A, p.Ser782Asn (NM_001126054.3); c.2342G>A, p.Ser781Asn (NM_001126055.3); c.2411G>A, p.Ser804Asn (NM_001410745.1); c.2414G>A, p.Ser805Asn (NM_003688.4); short protein forms S781N, S782N, S805N, S810N, S804N.
Identifiers: ClinVar variation 803983 (VCV000803983.4), dbSNP rs1602220170, ClinGen allele CA412990245.